The following is an entry in ClinVar:

ClinVar aggregate classification (germline): Pathogenic (1 of 4 stars; one submission).

Submission:

Labcorp Genetics (formerly Invitae), Labcorp
Classification: Pathogenic. Last evaluated: 2022-10-17. Review status: criteria provided, single submitter. Criteria: Invitae Variant Classification Sherloc (09022015). Collection method: clinical testing. Allele origin: germline.
Comment: A gross deletion of the genomic region encompassing the full coding sequence of the GH1 gene has been identified. Loss-of-function variants in GH1 are known to be pathogenic (PMID: 8364549, 19567534). The boundaries of this event are unknown as they extend beyond the assayed region for this gene and therefore may encompass additional genes. A similar copy number variant has been observed in individual(s) with growth hormone deficiency (PMID: 2325087, 16355809). For these reasons, this variant has been classified as Pathogenic.

Literature cited by the submitters: PubMed 8364549; PubMed 19567534; PubMed 2325087; PubMed 16355809.

NC_000017.10:g.(?_61994669)_(61996359_?)del

Gene: GH1 (growth hormone 1; minus strand). Cytogenetic location: 17q23.3.
Variant type: Deletion.
Identifiers: ClinVar variation 2423184 (VCV002423184.3).